The following is an entry in ClinVar:

ClinVar aggregate classification (germline): Conflicting classifications of pathogenicity. Review status: criteria provided, conflicting classifications (1 of 4 stars). 3 submissions from 3 submitters: Uncertain significance (2); Likely benign (1). Last evaluated 2026-08-05.

Conditions:
ABCG5-related disorder. Also called: ABCG5-related condition.
Cardiovascular phenotype. Identifiers: MedGen CN230736.
Sitosterolemia (STSL). Also called: PHYTOSTEROLEMIA. Identifiers: Orphanet 2882, MedGen C0342907, MONDO:0008863.

gnomAD v4.1: 32 of 1,610,172 alleles (0.002%); highest among the groups gnomAD compares: Non-Finnish European, 0.0021%; no homozygotes.

Submissions (3):

PreventionGenetics, part of Exact Sciences
Classification: Uncertain significance for ABCG5-related condition. Last evaluated: 2026-08-05. Review status: criteria provided, single submitter. Criteria: ACMG Guidelines, 2015. Collection method: clinical testing. Allele origin: germline.
Comment: The ABCG5 c.98C>T variant is predicted to result in the amino acid substitution p.Pro33Leu. To our knowledge, this variant has not been reported in the literature. This variant is reported in 0.0094% of alleles in individuals of European (Non-Finnish) descent in gnomAD. At this time, the clinical significance of this variant is uncertain due to the absence of conclusive functional and genetic evidence.

Ambry Genetics
Classification: Likely benign for Cardiovascular phenotype. Last evaluated: 2025-01-28. Review status: criteria provided, single submitter. Criteria: Ambry Variant Classification Scheme 2023. Collection method: clinical testing. Allele origin: germline.

Labcorp Genetics (formerly Invitae), Labcorp
Classification: Uncertain significance for Sitosterolemia. Last evaluated: 2022-04-15. Review status: criteria provided, single submitter. Criteria: Invitae Variant Classification Sherloc (09022015). Collection method: clinical testing. Allele origin: germline.
Comment: In summary, the available evidence is currently insufficient to determine the role of this variant in disease. Therefore, it has been classified as a Variant of Uncertain Significance. Algorithms developed to predict the effect of missense changes on protein structure and function output the following: SIFT: "Tolerated"; PolyPhen-2: "Benign"; Align-GVGD: "Class C0". The leucine amino acid residue is found in multiple mammalian species, which suggests that this missense change does not adversely affect protein function. This variant has not been reported in the literature in individuals affected with ABCG5-related conditions. This variant is present in population databases (rs778605187, gnomAD 0.01%). This sequence change replaces proline, which is neutral and non-polar, with leucine, which is neutral and non-polar, at codon 33 of the ABCG5 protein (p.Pro33Leu).

NM_022436.3(ABCG5):c.98C>T (p.Pro33Leu)

Gene: ABCG5 (ATP binding cassette subfamily G member 5; minus strand). Cytogenetic location: 2p21.
Variant type: single nucleotide variant.
Coding change: c.98C>T on transcript NM_022436.3 (MANE Select); coding-DNA position 98, C replaced by T.
Protein change: p.Pro33Leu; replaces proline 33 with leucine.
Molecular consequence: missense variant.
Genome position (GRCh38, 1-based): chr2:43,838,582, G>A on the plus strand (C>T on the coding strand, the complement: ABCG5 is on the minus strand). VCF-style: chr2-43838582-G-A. GRCh37 (hg19) VCF-style: chr2-44065721-G-A.
Other names: c.98C>T (NM_022436.2); short protein forms P33L.
Identifiers: ClinVar variation 2063983 (VCV002063983.5), dbSNP rs778605187, ClinGen allele CA1636803.